The following is an entry in ClinVar:

NM_206937.2(LIG4):c.1519G>C (p.Gly507Arg)

Gene: LIG4 (DNA ligase 4; minus strand). Cytogenetic location: 13q33.3.
Variant type: single nucleotide variant.
Coding change: c.1519G>C on transcript NM_206937.2 (MANE Select); coding-DNA position 1519, G replaced by C.
Protein change: p.Gly507Arg; replaces glycine 507 with arginine.
Molecular consequence: missense variant.
Genome position (GRCh38, 1-based): chr13:108,209,750, C>G on the plus strand (G>C on the coding strand, the complement: LIG4 is on the minus strand). VCF-style: chr13-108209750-C-G. GRCh37 (hg19) VCF-style: chr13-108862098-C-G.
Other names: c.1519G>C, p.Gly507Arg (NM_001098268.2, NM_001352598.2, NM_001352599.2 and 6 more transcripts); c.1318G>C, p.Gly440Arg (NM_001330595.2); c.1555G>C, p.Gly519Arg (NM_001352604.2); short protein forms G519R, G440R, G507R.
Identifiers: ClinVar variation 2090146 (VCV002090146.4), dbSNP rs1164771402, ClinGen allele CA388617004.

ClinVar aggregate classification (germline): Uncertain significance (1 of 4 stars; one submission).

Conditions:
DNA ligase IV deficiency. Identifiers: Orphanet 99812, MedGen C1847827, MONDO:0011686, OMIM 606593.

Submission:

Labcorp Genetics (formerly Invitae), Labcorp
Classification: Uncertain significance for DNA ligase IV deficiency. Last evaluated: 2022-01-27. Review status: criteria provided, single submitter. Criteria: Invitae Variant Classification Sherloc (09022015). Collection method: clinical testing. Allele origin: germline.
Comment: This variant is not present in population databases (gnomAD no frequency). This variant has not been reported in the literature in individuals affected with LIG4-related conditions. Algorithms developed to predict the effect of missense changes on protein structure and function are either unavailable or do not agree on the potential impact of this missense change (SIFT: "Deleterious"; PolyPhen-2: "Probably Damaging"; Align-GVGD: "Class C15"). In summary, the available evidence is currently insufficient to determine the role of this variant in disease. Therefore, it has been classified as a Variant of Uncertain Significance. This sequence change replaces glycine, which is neutral and non-polar, with arginine, which is basic and polar, at codon 507 of the LIG4 protein (p.Gly507Arg).